The following is an entry in ClinVar:

ClinVar aggregate classification (germline): Uncertain significance (1 of 4 stars; one submission).

Conditions:
Facioscapulohumeral muscular dystrophy 2 (FSHD2). Also called: MUSCULAR DYSTROPHY, FACIOSCAPULOHUMERAL, TYPE 1B; FACIOSCAPULOHUMERAL MUSCULAR DYSTROPHY 2, DIGENIC; FSHD2, DIGENIC. Identifiers: Orphanet 269, MedGen C1834671, MONDO:0008031, OMIM 158901.

Submission:

Labcorp Genetics (formerly Invitae), Labcorp
Classification: Uncertain significance for Facioscapulohumeral muscular dystrophy 2. Last evaluated: 2025-10-24. Review status: criteria provided, single submitter. Criteria: Invitae Variant Classification Sherloc (09022015). Collection method: clinical testing. Allele origin: germline.
Comment: This sequence change replaces aspartic acid, which is acidic and polar, with valine, which is neutral and non-polar, at codon 1523 of the SMCHD1 protein (p.Asp1523Val). This variant is not present in population databases (gnomAD no frequency). This variant has not been reported in the literature in individuals affected with SMCHD1-related conditions. An algorithm developed to predict the effect of missense changes on protein structure and function (PolyPhen-2) suggests that this variant is likely to be disruptive. In summary, the available evidence is currently insufficient to determine the role of this variant in disease. Therefore, it has been classified as a Variant of Uncertain Significance.

NM_015295.3(SMCHD1):c.4568A>T (p.Asp1523Val)

Gene: SMCHD1 (structural maintenance of chromosomes flexible hinge domain containing 1; plus strand). Cytogenetic location: 18p11.32.
Variant type: single nucleotide variant.
Coding change: c.4568A>T on transcript NM_015295.3 (MANE Select); coding-DNA position 4568, A replaced by T.
Protein change: p.Asp1523Val; replaces aspartic acid 1523 with valine.
Molecular consequence: missense variant.
Genome position (GRCh38, 1-based): chr18:2,763,638, A>T. VCF-style: chr18-2763638-A-T. GRCh37 (hg19) VCF-style: chr18-2763636-A-T.
Other names: short protein forms D1523V.
Identifiers: ClinVar variation 4729814 (VCV004729814.1).